The following is an entry in ClinVar:

ClinVar aggregate classification (germline): Uncertain significance (1 of 4 stars; one submission).

gnomAD v4.1: 4 of 1,614,144 alleles (0.00025%); highest among the groups gnomAD compares: Non-Finnish European, 0.00034%; no homozygotes.

Submission:

Labcorp Genetics (formerly Invitae), Labcorp
Classification: Uncertain significance. Last evaluated: 2022-07-05. Review status: criteria provided, single submitter. Criteria: Invitae Variant Classification Sherloc (09022015). Collection method: clinical testing. Allele origin: germline.
Comment: This sequence change replaces serine, which is neutral and polar, with asparagine, which is neutral and polar, at codon 146 of the TYR protein (p.Ser146Asn). This variant is not present in population databases (gnomAD no frequency). This variant has not been reported in the literature in individuals affected with TYR-related conditions. Advanced modeling of protein sequence and biophysical properties (such as structural, functional, and spatial information, amino acid conservation, physicochemical variation, residue mobility, and thermodynamic stability) performed at Invitae indicates that this missense variant is not expected to disrupt TYR protein function. In summary, the available evidence is currently insufficient to determine the role of this variant in disease. Therefore, it has been classified as a Variant of Uncertain Significance.

NM_000372.5(TYR):c.437G>A (p.Ser146Asn)

Gene: TYR (tyrosinase; plus strand). Cytogenetic location: 11q14.3.
Variant type: single nucleotide variant.
Coding change: c.437G>A on transcript NM_000372.5 (MANE Select); coding-DNA position 437, G replaced by A.
Protein change: p.Ser146Asn; replaces serine 146 with asparagine.
Molecular consequence: missense variant.
Genome position (GRCh38, 1-based): chr11:89,178,390, G>A. VCF-style: chr11-89178390-G-A. GRCh37 (hg19) VCF-style: chr11-88911558-G-A.
Other names: short protein forms S146N.
Identifiers: ClinVar variation 2014206 (VCV002014206.1), dbSNP rs1214974325, ClinGen allele CA382034398.